The following is an entry in ClinVar:

ClinVar aggregate classification (germline): Pathogenic/Likely pathogenic. Review status: criteria provided, multiple submitters, no conflicts (2 of 4 stars). 6 submissions from 6 submitters: Pathogenic (4); Likely pathogenic (1). 1 of the submissions does not count toward it. Last evaluated 2025-09-07.

Conditions:
Primary ciliary dyskinesia. Also called: Ciliary dyskinesia. Identifiers: Orphanet 244, MedGen C0008780, MONDO:0016575, HP:0012265.
Primary ciliary dyskinesia 9. Also called: CILIARY DYSKINESIA, PRIMARY, 9, WITH OR WITHOUT SITUS INVERSUS. Identifiers: Orphanet 244, MedGen C2676235, MONDO:0012906, OMIM 612444.

Allele frequency attached by ClinVar (database versions not stated): TOPMed below 0.00001; gnomAD exomes 0.00001.
gnomAD v4.1: 15 of 1,613,232 alleles (0.00093%); highest among the groups gnomAD compares: Middle Eastern, 0.017%; no homozygotes.

Submissions (6):

Natera, Inc.
Classification: Likely pathogenic for Primary ciliary dyskinesia. Last evaluated: 2025-09-07. Review status: criteria provided, single submitter. Criteria: Natera Variant Classification Schema (03/2026). Collection method: clinical testing. Allele origin: germline.
Comment: The c.1494+1G>A variant in DNAI2 is a canonical splice donor site variant predicted to affect pre-mRNA splicing, which may result in an abnormal transcript and altered protein product. This variant may result in a truncated or dysfunctional protein product. This variant is rare in the general population with a frequency below the threshold expected for the associated phenotype(s). This variant has been observed in one or more individuals affected with the associated recessive disease, as either homozygous or compound heterozygous with a second variant (PMID: 18950741, 34693619). Functional studies show that this variant may disrupt protein function (PMID: 18950741). Given the available evidence, this variant is classified as Likely Pathogenic.

ARUP Laboratories, Molecular Genetics and Genomics, ARUP Laboratories
Classification: Pathogenic for Primary ciliary dyskinesia 9. Last evaluated: 2025-07-02. Review status: criteria provided, single submitter. Criteria: ARUP Molecular Germline Variant Investigation Process 2024. Collection method: clinical testing. Allele origin: germline.
Comment: The DNAI2 c.1494+1G>A variant (rs397515565, ClinVar Variation ID: 4953), also published as IVS11+1G>A, is reported in the literature in the homozygous or compound heterozygous state in several individuals affected with primary ciliary dyskinesia (Gileles-Hillel 2020, Loges 2008). This variant is found in the general population with a low overall allele frequency of 0.0012% (3/249,870 alleles) in the Genome Aggregation Database (v2.1.1). This variant disrupts the canonical splice donor site of intron 11, which is likely to negatively impact gene function. RNA analyses of patient cells show the variant leads to skipping of exon 11, leading to the in-frame loss of 49 amino acids (Loges 2008). Based on available information, this variant is considered to be pathogenic. References: Gileles-Hillel A et al. Whole-exome sequencing accuracy in the diagnosis of primary ciliary dyskinesia. ERJ Open Res. 2020 Dec 21;6(4):00213-2020. PMID: 33447612. Loges NT et al. DNAI2 mutations cause primary ciliary dyskinesia with defects in the outer dynein arm. Am J Hum Genet. 2008 Nov;83(5):547-58. PMID: 18950741.

Labcorp Genetics (formerly Invitae), Labcorp
Classification: Pathogenic for Primary ciliary dyskinesia. Last evaluated: 2024-09-24. Review status: criteria provided, single submitter. Criteria: Invitae Variant Classification Sherloc (09022015). Collection method: clinical testing. Allele origin: germline.
Comment: This sequence change affects a donor splice site in intron 11 of the DNAI2 gene. RNA analysis indicates that disruption of this splice site induces altered splicing and likely results in a shortened protein product. This variant is present in population databases (no rsID available, gnomAD 0.003%). Disruption of this splice site has been observed in individual(s) with primary ciliary dyskinesia (PMID: 18950741). It has also been observed to segregate with disease in related individuals. ClinVar contains an entry for this variant (Variation ID: 4953). Studies have shown that disruption of this splice site results in skipping of exon 11, but is expected to preserve the integrity of the reading-frame (PMID: 18950741). For these reasons, this variant has been classified as Pathogenic.

Fulgent Genetics
Classification: Pathogenic for Primary ciliary dyskinesia 9. Last evaluated: 2024-05-10. Review status: criteria provided, single submitter. Criteria: ACMG Guidelines, 2015. Collection method: clinical testing. Allele origin: germline.

GeneDx
Classification: Pathogenic. Last evaluated: 2023-10-27. Review status: criteria provided, single submitter. Criteria: GeneDx Variant Classification Process June 2021. Collection method: clinical testing. Allele origin: germline. Affected: yes.
Comment: Canonical splice site variant predicted to result in an in-frame loss of the adjacent exon in a gene for which loss of function is a known mechanism of disease; Not observed at significant frequency in large population cohorts (gnomAD); This variant is associated with the following publications: (PMID: 25525159, 18950741, 33447612)

OMIM
Classification: Pathogenic for CILIARY DYSKINESIA, PRIMARY, 9, WITH OR WITHOUT SITUS INVERSUS. Last evaluated: 2008-11-01. Review status: no assertion criteria provided. Collection method: literature only. Allele origin: germline. Not counted in ClinVar's aggregate classification.

Literature cited by the submitters: PubMed 18950741 (cited by 3 submitters); PubMed 34693619 (cited by Natera, Inc.).

NM_023036.6(DNAI2):c.1494+1G>A

Gene: DNAI2 (dynein axonemal intermediate chain 2; plus strand). Cytogenetic location: 17q25.1.
Variant type: single nucleotide variant.
Coding change: c.1494+1G>A on transcript NM_023036.6 (MANE Select); the canonical splice donor site of the intron after coding-DNA position 1494, G replaced by A.
Molecular consequence: splice donor variant.
Genome position (GRCh38, 1-based): chr17:74,310,164, G>A. VCF-style: chr17-74310164-G-A. GRCh37 (hg19) VCF-style: chr17-72306303-G-A.
Other names: IVS11DS, G-A, +1; c.1494+1G>A (NM_001353167.2, NM_023036.5); c.1458+1G>A (NM_001172810.3).
Identifiers: ClinVar variation 4953 (VCV000004953.16), dbSNP rs397515565, ClinGen allele CA293863657.